The following is an entry in ClinVar:

ClinVar aggregate classification (germline): Uncertain significance (1 of 4 stars; one submission).

Conditions:
Arginase deficiency. Also called: Arginase 1 Deficiency; ARGININEMIA; ARG1 DEFICIENCY. Identifiers: Orphanet 90, MedGen C0268548, MONDO:0008814, OMIM 207800.

Submission:

Labcorp Genetics (formerly Invitae), Labcorp
Classification: Uncertain significance for Arginase deficiency. Last evaluated: 2022-08-16. Review status: criteria provided, single submitter. Criteria: Invitae Variant Classification Sherloc (09022015). Collection method: clinical testing. Allele origin: germline.
Comment: A copy number gain of the genomic region encompassing the full coding sequence of the ARG1 gene has been identified. The boundaries of this event are unknown as they extend beyond the assayed region for this gene and therefore may encompass additional genes. As the precise location of this event is unknown, it may be in tandem or it may be located elsewhere in the genome. This variant has not been reported in the literature in individuals affected with ARG1-related conditions. In summary, the available evidence is currently insufficient to determine the role of this variant in disease. Therefore, it has been classified as a Variant of Uncertain Significance.

NC_000006.11:g.(?_131894423)_(132211651_?)dup

Genes: ARG1 (arginase 1; plus strand), CTAGE9 (CTAGE family member 9; minus strand), ENPP1 (ectonucleotide pyrophosphatase/phosphodiesterase 1; plus strand), ENPP3 (ectonucleotide pyrophosphatase/phosphodiesterase 3; plus strand), MED23 (mediator complex subunit 23; minus strand) and 1 more. Cytogenetic location: 6q23.2.
Variant type: Duplication.
Identifiers: ClinVar variation 998813 (VCV000998813.5).